The following is an entry in ClinVar:

NM_003072.5(SMARCA4):c.4288A>G (p.Ser1430Gly)

Gene: SMARCA4 (SWI/SNF related BAF chromatin remodeling complex subunit ATPase 4; plus strand). Cytogenetic location: 19p13.2.
Variant type: single nucleotide variant.
Coding change: c.4288A>G on transcript NM_003072.5 (MANE Select); coding-DNA position 4288, A replaced by G.
Protein change: p.Ser1430Gly; replaces serine 1430 with glycine.
Molecular consequence: missense variant. On other transcripts: non-coding transcript variant (1).
Genome position (GRCh38, 1-based): chr19:11,041,424, A>G. VCF-style: chr19-11041424-A-G. GRCh37 (hg19) VCF-style: chr19-11152100-A-G.
Other names: c.4288A>G, p.Ser1430Gly (NM_001128844.3); c.4198A>G, p.Ser1400Gly (NM_001128845.2, NM_001128846.2); c.4189A>G, p.Ser1397Gly (NM_001128847.4, NM_001128848.2, NM_001374457.1); c.4384A>G, p.Ser1462Gly (NM_001128849.3); short protein forms S1430G, S1397G, S1400G, S1462G.
Identifiers: ClinVar variation 940757 (VCV000940757.12), dbSNP rs1227801413, ClinGen allele CA404073603.

ClinVar aggregate classification (germline): Uncertain significance. Review status: criteria provided, multiple submitters, no conflicts (2 of 4 stars). 2 submissions from 2 submitters: Uncertain significance (2). Last evaluated 2025-11-24.

Conditions:
Hereditary cancer-predisposing syndrome. Also called: Hereditary neoplastic syndrome; Neoplastic Syndromes, Hereditary; Tumor predisposition; Hereditary Cancer Syndrome. Identifiers: Orphanet 140162, MedGen C0027672, MeSH D009386, MONDO:0015356.
Rhabdoid tumor predisposition syndrome 2 (RTPS2). Identifiers: Orphanet 231108, Orphanet 69077, MedGen C2750074, MONDO:0013224, OMIM 613325.

Allele frequency attached by ClinVar (database versions not stated): gnomAD exomes below 0.00001.
gnomAD v4.1: 3 of 1,612,480 alleles (0.00019%); highest among the groups gnomAD compares: East Asian, 0.0067%; no homozygotes.

Submissions (2):

Labcorp Genetics (formerly Invitae), Labcorp
Classification: Uncertain significance for Rhabdoid tumor predisposition syndrome 2. Last evaluated: 2025-11-24. Review status: criteria provided, single submitter. Criteria: Invitae Variant Classification Sherloc (09022015). Collection method: clinical testing. Allele origin: germline.
Comment: This sequence change replaces serine, which is neutral and polar, with glycine, which is neutral and non-polar, at codon 1462 of the SMARCA4 protein (p.Ser1462Gly). The frequency data for this variant in the population databases is considered unreliable, as metrics indicate poor data quality at this position in the gnomAD database. This variant has not been reported in the literature in individuals affected with SMARCA4-related conditions. ClinVar contains an entry for this variant (Variation ID: 940757). An algorithm developed to predict the effect of missense changes on protein structure and function (PolyPhen-2) suggests that this variant is likely to be tolerated. In summary, the available evidence is currently insufficient to determine the role of this variant in disease. Therefore, it has been classified as a Variant of Uncertain Significance.

Ambry Genetics
Classification: Uncertain significance for Hereditary cancer-predisposing syndrome. Last evaluated: 2017-10-26. Review status: criteria provided, single submitter. Criteria: Ambry Variant Classification Scheme 2023. Collection method: clinical testing. Allele origin: germline.
Comment: The p.S1462G variant (also known as c.4384A>G), located in coding exon 30 of the SMARCA4 gene, results from an A to G substitution at nucleotide position 4384. The serine at codon 1462 is replaced by glycine, an amino acid with similar properties. This amino acid position is not well conserved in available vertebrate species. In addition, this alteration is predicted to be tolerated by in silico analysis. Since supporting evidence is limited at this time, the clinical significance of this alteration remains unclear.